The following is an entry in ClinVar:

NM_002775.5(HTRA1):c.473-8G>T

Gene: HTRA1 (HtrA serine peptidase 1; plus strand). Cytogenetic location: 10q26.13.
Variant type: single nucleotide variant.
Coding change: c.473-8G>T on transcript NM_002775.5 (MANE Select); 8 bases into the intron before coding-DNA position 473, G replaced by T.
Molecular consequence: intron variant.
Genome position (GRCh38, 1-based): chr10:122,488,894, G>T. VCF-style: chr10-122488894-G-T. GRCh37 (hg19) VCF-style: chr10-124248410-G-T.
Other names: p.?.
Identifiers: ClinVar variation 299049 (VCV000299049.18), dbSNP rs114877122, ClinGen allele CA5725832.
Genomic context (GRCh38, chr10:122,488,894, plus strand): 5'-CCCATGTCTTTCTCTAGGTGGCCACAGCAGAGTGTCATTAAGTATCTATTCTTTGCTTTT[G>T]TTCTCAGGGCAGGAAGATCCCAACAGTTTGCGCCATAAATATAACTTTATCGCGGACGTG-3'

ClinVar aggregate classification (germline): Benign. Review status: criteria provided, multiple submitters, no conflicts (2 of 4 stars). 4 submissions from 4 submitters: Benign (4). Last evaluated 2025-12-26.

Conditions:
Macular degeneration. Also called: Degenerative disorder of macula. Identifiers: MedGen C0024437, MONDO:0003004, HP:0000608.

Allele frequency attached by ClinVar (database versions not stated): gnomAD exomes 0.00041 and 0.00117; ExAC 0.00138; gnomAD 0.00459 and 0.00498; ESP Exome Variant Server 0.00469; TOPMed 0.00536; 1000 Genomes Project 0.00639; 1000 Genomes Project 30x 0.00687.

Submissions (5):

Labcorp Genetics (formerly Invitae), Labcorp
Classification: Benign. Last evaluated: 2025-12-26. Review status: criteria provided, single submitter. Criteria: Invitae Variant Classification Sherloc (09022015). Collection method: clinical testing. Allele origin: germline.

Mayo Clinic Laboratories, Mayo Clinic
Classification: Benign. Last evaluated: 2025-04-08. Review status: criteria provided, single submitter. Criteria: ACMG Guidelines, 2015. Collection method: clinical testing. Allele origin: germline. Observed: 2 variant alleles.
Comment: BS1, BS2, BP4, BP7

Athena Diagnostics
Classification: Benign. Last evaluated: 2018-11-07. Review status: criteria provided, single submitter. Criteria: Athena Diagnostics Criteria. Collection method: clinical testing. Allele origin: germline.

Illumina Laboratory Services, Illumina
Classification: Benign for Macular degeneration. Last evaluated: 2018-01-13. Review status: criteria provided, single submitter. Criteria: ICSL Variant Classification Criteria 13 December 2019. Collection method: clinical testing. Allele origin: germline.
Comment: This variant was observed in the ICSL laboratory as part of a predisposition screen in an ostensibly healthy population. It had not been previously curated by ICSL or reported in the Human Gene Mutation Database (HGMD: prior to June 1st, 2018), and was therefore a candidate for classification through an automated scoring system. Utilizing variant allele frequency, disease prevalence and penetrance estimates, and inheritance mode, an automated score was calculated to assess if this variant is too frequent to cause the disease. Based on the score and internal cut-off values, a variant classified as benign is not then subjected to further curation. The score for this variant resulted in a classification of benign for this disease.

Dr. Peter K. Rogan Lab, Western University
No classification provided (evidence only). Condition: Lung cancer. Review status: no classification provided. Collection method: in vitro. Allele origin: not applicable. Functional consequence: retained intron. Not counted in ClinVar's aggregate classification.